The following is an entry in ClinVar:

ClinVar aggregate classification (germline): Benign/Likely benign. Review status: criteria provided, multiple submitters, no conflicts (2 of 4 stars). 3 submissions from 3 submitters: Benign (1); Likely benign (1). 1 of the submissions does not count toward it. Last evaluated 2025-02-10.

Conditions:
TBC1D8B-related disorder. Also called: TBC1D8B-related condition.

Allele frequency attached by ClinVar (database versions not stated): gnomAD 0.00035; gnomAD exomes 0.00004; ExAC 0.00020; 1000 Genomes Project 30x 0.00042; 1000 Genomes Project 0.00053; TOPMed 0.00028; ESP Exome Variant Server 0.00038.
gnomAD v4.1: 86 of 1,197,844 alleles (0.0072%); highest among the groups gnomAD compares: African/African-American, 0.13%; no homozygotes.

Submissions (3):

Mayo Clinic Laboratories, Mayo Clinic
Classification: Likely benign. Last evaluated: 2025-02-10. Review status: criteria provided, single submitter. Criteria: ACMG Guidelines, 2015. Collection method: clinical testing. Allele origin: germline. Observed: 1 variant allele.
Comment: BP4, BP7

Labcorp Genetics (formerly Invitae), Labcorp
Classification: Benign. Last evaluated: 2024-04-26. Review status: criteria provided, single submitter. Criteria: Invitae Variant Classification Sherloc (09022015). Collection method: clinical testing. Allele origin: germline.

PreventionGenetics, part of Exact Sciences
Classification: Likely benign for TBC1D8B-related condition. Last evaluated: 2020-08-11. Review status: no assertion criteria provided. Collection method: clinical testing. Allele origin: germline. Not counted in ClinVar's aggregate classification.
Comment: This variant is classified as likely benign based on ACMG/AMP sequence variant interpretation guidelines (Richards et al. 2015 PMID: 25741868, with internal and published modifications).

NM_017752.3(TBC1D8B):c.2395T>C (p.Leu799=)

Gene: TBC1D8B (TBC1 domain family member 8B; plus strand). Cytogenetic location: Xq22.3.
Variant type: single nucleotide variant.
Coding change: c.2395T>C on transcript NM_017752.3 (MANE Select); coding-DNA position 2395, T replaced by C.
Protein change: p.Leu799=; no amino-acid change (leucine 799 retained).
Molecular consequence: synonymous variant.
Genome position (GRCh38, 1-based): chrX:106,865,601, T>C. VCF-style: chrX-106865601-T-C. GRCh37 (hg19) VCF-style: chrX-106108831-T-C.
Other names: p.Leu799=; c.2395T>C (NM_017752.2).
Identifiers: ClinVar variation 2063637 (VCV002063637.7), dbSNP rs151206406, ClinGen allele CA10483343.
Genomic context (GRCh38, chrX:106,865,601, plus strand): 5'-CTTTTAATCTTTTTAAAGTTGCGTGTTGTATCACAAGATGTGAAATTGAGCCTTCAAGAA[T>C]TGGATGAACTTTATGTCATCTTTAAGGTACTGTTGTTCTTCTTTAAATGAAAAATAATGC-3'
Protein context (NP_060222.2, residues 789-809): SQDVKLSLQE[Leu799=]DELYVIFKKE